The following is an entry in ClinVar:

NM_001943.5(DSG2):c.1120C>T (p.Pro374Ser)

Gene: DSG2 (desmoglein 2; plus strand). Cytogenetic location: 18q12.1.
Variant type: single nucleotide variant.
Coding change: c.1120C>T on transcript NM_001943.5 (MANE Select); coding-DNA position 1120, C replaced by T.
Protein change: p.Pro374Ser; replaces proline 374 with serine.
Molecular consequence: missense variant.
Genome position (GRCh38, 1-based): chr18:31,531,092, C>T. VCF-style: chr18-31531092-C-T. GRCh37 (hg19) VCF-style: chr18-29111055-C-T.
Other names: short protein forms P374S.
Identifiers: ClinVar variation 4689963 (VCV004689963.1).

ClinVar aggregate classification (germline): Uncertain significance (1 of 4 stars; one submission).

Submission:

GeneDx
Classification: Uncertain significance. Last evaluated: 2025-07-31. Review status: criteria provided, single submitter. Criteria: GeneDx Variant Classification Process June 2021. Collection method: clinical testing. Allele origin: germline. Affected: yes.
Comment: Not observed at significant frequency in large population cohorts (gnomAD); In silico analysis supports that this missense variant has a deleterious effect on protein structure/function; Has not been previously published as pathogenic or benign to our knowledge